The following is an entry in ClinVar:

NM_001080779.2(MYO1C):c.3166-87A>G

Gene: MYO1C (myosin IC; minus strand). Cytogenetic location: 17p13.3.
Variant type: single nucleotide variant.
Coding change: c.3166-87A>G on transcript NM_001080779.2 (MANE Select); 87 bases into the intron before coding-DNA position 3166, A replaced by G.
Molecular consequence: intron variant.
Genome position (GRCh38, 1-based): chr17:1,465,839, T>C on the plus strand (A>G on the coding strand, the complement: MYO1C is on the minus strand). VCF-style: chr17-1465839-T-C. GRCh37 (hg19) VCF-style: chr17-1369133-T-C.
Other names: c.3061-87A>G (NM_033375.5); c.3109-87A>G (NM_001080950.2); c.3094-87A>G (NM_001363855.1).
Identifiers: ClinVar variation 683250 (VCV000683250.2), dbSNP rs76446640, ClinGen allele CA14501075.

ClinVar aggregate classification (germline): Benign. Review status: criteria provided, multiple submitters, no conflicts (2 of 4 stars). 2 submissions from 2 submitters: Benign (2). Last evaluated 2018-06-16.

Allele frequency attached by ClinVar (database versions not stated): 1000 Genomes Project 30x 0.09088; 1000 Genomes Project 0.09125; gnomAD 0.09522 and 0.09644; TOPMed 0.09787; gnomAD exomes 0.10001.
gnomAD v4.1: 104,047 of 1,050,734 alleles (9.9%); highest among the groups gnomAD compares: East Asian, 14%; 5,454 homozygotes.

Submissions (2):

GeneDx
Classification: Benign. Last evaluated: 2018-06-16. Review status: criteria provided, single submitter. Criteria: GeneDx Variant Classification (06012015). Collection method: clinical testing. Allele origin: germline. Affected: yes.
Comment: This variant is considered likely benign or benign based on one or more of the following criteria: it is a conservative change, it occurs at a poorly conserved position in the protein, it is predicted to be benign by multiple in silico algorithms, and/or has population frequency not consistent with disease.

Breakthrough Genomics
Classification: Benign. Review status: criteria provided, single submitter. Criteria: ACMG Guidelines, 2015. Collection method: not provided. Allele origin: germline. Inheritance: Unknown mechanism. Affected: yes.